The following is an entry in ClinVar:

NM_003998.4(NFKB1):c.2294G>A (p.Gly765Glu)

Gene: NFKB1 (nuclear factor kappa B subunit 1; plus strand). Cytogenetic location: 4q24.
Variant type: single nucleotide variant.
Coding change: c.2294G>A on transcript NM_003998.4 (MANE Select); coding-DNA position 2294, G replaced by A.
Protein change: p.Gly765Glu; replaces glycine 765 with glutamic acid.
Molecular consequence: missense variant.
Genome position (GRCh38, 1-based): chr4:102,610,641, G>A. VCF-style: chr4-102610641-G-A. GRCh37 (hg19) VCF-style: chr4-103531798-G-A.
Other names: c.2291G>A, p.Gly764Glu (NM_001165412.2, NM_001319226.2, NM_001382627.1); c.2294G>A, p.Gly765Glu (NM_001382625.1, NM_001382626.1); c.2252G>A, p.Gly751Glu (NM_001382628.1); short protein forms G751E, G764E, G765E.
Identifiers: ClinVar variation 2832943 (VCV002832943.3), dbSNP rs754851506, ClinGen allele CA3026384.
Genomic context (GRCh38, chr4:102,610,641, plus strand): 5'-ATCCCCTGGTGGAGAACTTTGAGCCTCTCTATGACCTGGATGACTCTTGGGAAAATGCAG[G>A]AGAGGATGAAGGAGTTGTGCCTGGAACCACGCCTCTAGATATGGCCACCAGCTGGCAGGT-3'
Protein context (NP_003989.2, residues 755-775): YDLDDSWENA[Gly765Glu]EDEGVVPGTT

ClinVar aggregate classification (germline): Uncertain significance (1 of 4 stars; one submission).

Allele frequency attached by ClinVar (database versions not stated): ExAC 0.00001; gnomAD exomes below 0.00001.
gnomAD v4.1: 2 of 1,614,054 alleles (0.00012%); highest among the groups gnomAD compares: South Asian, 0.0011%; no homozygotes.

Submission:

Labcorp Genetics (formerly Invitae), Labcorp
Classification: Uncertain significance. Last evaluated: 2025-06-13. Review status: criteria provided, single submitter. Criteria: Invitae Variant Classification Sherloc (09022015). Collection method: clinical testing. Allele origin: germline.
Comment: This sequence change replaces glycine, which is neutral and non-polar, with glutamic acid, which is acidic and polar, at codon 765 of the NFKB1 protein (p.Gly765Glu). This variant is present in population databases (rs754851506, gnomAD 0.003%). This variant has not been reported in the literature in individuals affected with NFKB1-related conditions. ClinVar contains an entry for this variant (Variation ID: 2832943). An algorithm developed to predict the effect of missense changes on protein structure and function (PolyPhen-2) suggests that this variant is likely to be disruptive. In summary, the available evidence is currently insufficient to determine the role of this variant in disease. Therefore, it has been classified as a Variant of Uncertain Significance.